The following is an entry in ClinVar:

ClinVar aggregate classification (germline): Uncertain significance (1 of 4 stars; one submission).

Allele frequency attached by ClinVar (database versions not stated): gnomAD exomes below 0.00001.
gnomAD v4.1: 3 of 1,614,004 alleles (0.00019%); highest among the groups gnomAD compares: Non-Finnish European, 0.000085%; no homozygotes.

Submission:

Labcorp Genetics (formerly Invitae), Labcorp
Classification: Uncertain significance. Last evaluated: 2024-03-04. Review status: criteria provided, single submitter. Criteria: Invitae Variant Classification Sherloc (09022015). Collection method: clinical testing. Allele origin: germline.
Comment: This sequence change replaces threonine, which is neutral and polar, with alanine, which is neutral and non-polar, at codon 3041 of the KMT2A protein (p.Thr3041Ala). This variant is not present in population databases (gnomAD no frequency). This variant has not been reported in the literature in individuals affected with KMT2A-related conditions. ClinVar contains an entry for this variant (Variation ID: 1378039). Advanced modeling of protein sequence and biophysical properties (such as structural, functional, and spatial information, amino acid conservation, physicochemical variation, residue mobility, and thermodynamic stability) performed at Invitae indicates that this missense variant is not expected to disrupt KMT2A protein function with a negative predictive value of 95%. In summary, the available evidence is currently insufficient to determine the role of this variant in disease. Therefore, it has been classified as a Variant of Uncertain Significance.

NM_001197104.2(KMT2A):c.9121A>G (p.Thr3041Ala)

Gene: KMT2A (lysine methyltransferase 2A; plus strand). Cytogenetic location: 11q23.3.
Variant type: single nucleotide variant.
Coding change: c.9121A>G on transcript NM_001197104.2 (MANE Select); coding-DNA position 9121, A replaced by G.
Protein change: p.Thr3041Ala; replaces threonine 3041 with alanine.
Molecular consequence: missense variant.
Genome position (GRCh38, 1-based): chr11:118,505,013, A>G. VCF-style: chr11-118505013-A-G. GRCh37 (hg19) VCF-style: chr11-118375728-A-G.
Other names: c.9112A>G, p.Thr3038Ala (NM_005933.4); short protein forms T3038A, T3041A.
Identifiers: ClinVar variation 1378039 (VCV001378039.8), dbSNP rs2134403152, ClinGen allele CA382818471.